The following is an entry in ClinVar:

ClinVar aggregate classification (germline): Uncertain significance (1 of 4 stars; one submission).

Conditions:
Multiple congenital exostosis (EXT). Also called: Hereditary multiple exostoses; Hereditary multiple exostosis; MULTIPLE CARTILAGINOUS EXOSTOSES; Multiple exostoses; Multiple osteochondromas; Hereditary multiple osteochondromas. Identifiers: Orphanet 321, MedGen C0015306, MONDO:0005508, HP:0002762.

Allele frequency attached by ClinVar (database versions not stated): gnomAD exomes 0.00001.
gnomAD v4.1: 3 of 1,614,198 alleles (0.00019%); highest among the groups gnomAD compares: South Asian, 0.0022%; no homozygotes.

Submission:

Labcorp Genetics (formerly Invitae), Labcorp
Classification: Uncertain significance for Multiple congenital exostosis. Last evaluated: 2023-07-07. Review status: criteria provided, single submitter. Criteria: Invitae Variant Classification Sherloc (09022015). Collection method: clinical testing. Allele origin: germline.
Comment: This sequence change replaces serine, which is neutral and polar, with phenylalanine, which is neutral and non-polar, at codon 141 of the EXT1 protein (p.Ser141Phe). In summary, the available evidence is currently insufficient to determine the role of this variant in disease. Therefore, it has been classified as a Variant of Uncertain Significance. Advanced modeling of protein sequence and biophysical properties (such as structural, functional, and spatial information, amino acid conservation, physicochemical variation, residue mobility, and thermodynamic stability) performed at Invitae indicates that this missense variant is expected to disrupt EXT1 protein function. ClinVar contains an entry for this variant (Variation ID: 859759). This variant has not been reported in the literature in individuals affected with EXT1-related conditions. This variant is not present in population databases (gnomAD no frequency).

NM_000127.3(EXT1):c.422C>T (p.Ser141Phe)

Gene: EXT1 (exostosin glycosyltransferase 1; minus strand). Cytogenetic location: 8q24.11.
Variant type: single nucleotide variant.
Coding change: c.422C>T on transcript NM_000127.3 (MANE Select); coding-DNA position 422, C replaced by T.
Protein change: p.Ser141Phe; replaces serine 141 with phenylalanine.
Molecular consequence: missense variant.
Genome position (GRCh38, 1-based): chr8:118,110,625, G>A on the plus strand (C>T on the coding strand, the complement: EXT1 is on the minus strand). VCF-style: chr8-118110625-G-A. GRCh37 (hg19) VCF-style: chr8-119122864-G-A.
Other names: short protein forms S141F.
Identifiers: ClinVar variation 859759 (VCV000859759.10), dbSNP rs1817880635, ClinGen allele CA371915884.